The following is an entry in ClinVar:

NM_013447.4(ADGRE2):c.1416+3G>C

Gene: ADGRE2 (adhesion G protein-coupled receptor E2; minus strand). Cytogenetic location: 19p13.12.
Variant type: single nucleotide variant.
Coding change: c.1416+3G>C on transcript NM_013447.4 (MANE Select); 3 bases into the intron after coding-DNA position 1416, G replaced by C.
Molecular consequence: intron variant.
Genome position (GRCh38, 1-based): chr19:14,755,651, C>G on the plus strand (G>C on the coding strand, the complement: ADGRE2 is on the minus strand). VCF-style: chr19-14755651-C-G. GRCh37 (hg19) VCF-style: chr19-14866463-C-G.
Other names: c.1416+3G>C (NM_013447.3, NM_001271052.1).
Identifiers: ClinVar variation 2153350 (VCV002153350.6), dbSNP rs200867175, ClinGen allele CA9257725.

ClinVar aggregate classification (germline): Likely benign. Review status: criteria provided, single submitter (1 of 4 stars). 2 submissions from 2 submitters: Likely benign (1). 1 of the submissions does not count toward it. Last evaluated 2025-05-10.

Conditions:
ADGRE2-related disorder. Also called: ADGRE2-related condition.

Allele frequency attached by ClinVar (database versions not stated): TOPMed 0.00002; gnomAD 0.00015; gnomAD exomes 0.00025; ExAC 0.00055; 1000 Genomes Project 30x 0.00125; 1000 Genomes Project 0.00140.
gnomAD v4.1: 385 of 1,613,578 alleles (0.024%); highest among the groups gnomAD compares: South Asian, 0.41%; 3 homozygotes.

Submissions (2):

Labcorp Genetics (formerly Invitae), Labcorp
Classification: Likely benign. Last evaluated: 2025-05-10. Review status: criteria provided, single submitter. Criteria: Invitae Variant Classification Sherloc (09022015). Collection method: clinical testing. Allele origin: germline.

PreventionGenetics, part of Exact Sciences
Classification: Likely benign for ADGRE2-related condition. Last evaluated: 2020-07-14. Review status: no assertion criteria provided. Collection method: clinical testing. Allele origin: germline. Not counted in ClinVar's aggregate classification.
Comment: This variant is classified as likely benign based on ACMG/AMP sequence variant interpretation guidelines (Richards et al. 2015 PMID: 25741868, with internal and published modifications).